The following is an entry in ClinVar:

ClinVar aggregate classification (germline): Pathogenic. Review status: criteria provided, single submitter (1 of 4 stars). 2 submissions from 2 submitters: Pathogenic (1). 1 of the submissions does not count toward it. Last evaluated 2024-09-17.

Conditions:
Deficiency of UDPglucose-hexose-1-phosphate uridylyltransferase. Also called: Transferase Deficiency Galactosemia; GALACTOSEMIA I; GALACTOSE-1-PHOSPHATE URIDYLYLTRANSFERASE DEFICIENCY; GALT deficiency; Galactosemia, classic. Identifiers: Orphanet 352, Orphanet 79239, MedGen C0268151, MONDO:0009258, OMIM 230400.

Submissions (2):

Mayo Clinic Laboratories, Mayo Clinic
Classification: Pathogenic. Last evaluated: 2024-09-17. Review status: criteria provided, single submitter. Criteria: ACMG Guidelines, 2015. Collection method: clinical testing. Allele origin: germline. Observed: 1 variant allele.
Comment: PP4, PM2, PVS1

Counsyl
Classification: Likely pathogenic for Deficiency of UDPglucose-hexose-1-phosphate uridylyltransferase. Last evaluated: 2016-05-19. Review status: no assertion criteria provided. Collection method: clinical testing. Allele origin: unknown. Not counted in ClinVar's aggregate classification.

NM_000155.4(GALT):c.670del (p.Gln224fs)

Gene: GALT (galactose-1-phosphate uridylyltransferase; plus strand). Cytogenetic location: 9p13.3.
Variant type: Deletion.
Coding change: c.670del on transcript NM_000155.4 (MANE Select); coding-DNA position 670, one base deleted (C; older notation c.670delC).
Protein change: p.Gln224fs; shifts the reading frame from glutamine 224.
Molecular consequence: frameshift variant.
Genome position (GRCh38, 1-based): chr9:34,648,439, C deleted; the last of 2 consecutive C bases (chr9:34,648,438-34,648,439); deleting either gives the same sequence. VCF-style (leftmost placement, unchanged base first): chr9-34648437-GC-G. GRCh37 (hg19) VCF-style: chr9-34648434-GC-G.
Other names: p.Gln224Argfs*11; c.343del, p.Gln115fs (NM_001258332.2); short protein forms Q224fs, Q115fs.
Identifiers: ClinVar variation 370940 (VCV000370940.4), dbSNP rs1057516883, ClinGen allele CA16041308.